The following is an entry in ClinVar:

NM_198576.4(AGRN):c.4561C>T (p.Arg1521Cys)

Gene: AGRN (agrin; plus strand). Cytogenetic location: 1p36.33.
Variant type: single nucleotide variant.
Coding change: c.4561C>T on transcript NM_198576.4 (MANE Select); coding-DNA position 4561, C replaced by T.
Protein change: p.Arg1521Cys; replaces arginine 1521 with cysteine.
Molecular consequence: missense variant.
Genome position (GRCh38, 1-based): chr1:1,049,612, C>T. VCF-style: chr1-1049612-C-T. GRCh37 (hg19) VCF-style: chr1-984992-C-T.
Other names: c.4561C>T, p.Arg1521Cys (NM_001305275.2); c.4246C>T, p.Arg1416Cys (NM_001364727.2); short protein forms R1521C, R1416C.
Identifiers: ClinVar variation 850243 (VCV000850243.8), dbSNP rs550316749, ClinGen allele CA509533.
Genomic context (GRCh38, chr1:1,049,612, plus strand): 5'-CCTCCTGGTGGCAGGGCGCTGGAGCGGACCTTCGTGGGCGCCGGCCTGAGGGGGTGCATC[C>T]GTTTGCTGGACGTCAACAACCAGCGCCTGGAGCTTGGCATTGGGCCGGGGGCTGCCACCC-3'
Protein context (NP_940978.2, residues 1511-1531): FVGAGLRGCI[Arg1521Cys]LLDVNNQRLE

ClinVar aggregate classification (germline): Uncertain significance. Review status: criteria provided, multiple submitters, no conflicts (2 of 4 stars). 2 submissions from 2 submitters: Uncertain significance (2). Last evaluated 2022-07-13.

Conditions:
Congenital myasthenic syndrome 8. Also called: MYASTHENIC SYNDROME, CONGENITAL, DUE TO AGRIN DEFICIENCY; Myasthenic syndrome, congenital, 8, with pre- and postsynaptic defects. Identifiers: Orphanet 590, MedGen C3808739, MONDO:0014052, OMIM 615120.

Allele frequency attached by ClinVar (database versions not stated): gnomAD 0.00006; 1000 Genomes Project 30x 0.00016; TOPMed 0.00004; 1000 Genomes Project 0.00020.

Submissions (2):

Labcorp Genetics (formerly Invitae), Labcorp
Classification: Uncertain significance for Congenital myasthenic syndrome 8. Last evaluated: 2022-07-13. Review status: criteria provided, single submitter. Criteria: Invitae Variant Classification Sherloc (09022015). Collection method: clinical testing. Allele origin: germline.
Comment: This sequence change replaces arginine, which is basic and polar, with cysteine, which is neutral and slightly polar, at codon 1521 of the AGRN protein (p.Arg1521Cys). This variant is present in population databases (rs550316749, gnomAD 0.02%). This variant has not been reported in the literature in individuals affected with AGRN-related conditions. ClinVar contains an entry for this variant (Variation ID: 850243). Algorithms developed to predict the effect of missense changes on protein structure and function are either unavailable or do not agree on the potential impact of this missense change (SIFT: "Deleterious"; PolyPhen-2: "Probably Damaging"; Align-GVGD: "Class C0"). In summary, the available evidence is currently insufficient to determine the role of this variant in disease. Therefore, it has been classified as a Variant of Uncertain Significance.

Baylor Genetics
Classification: Uncertain significance for Congenital myasthenic syndrome 8. Last evaluated: 2019-08-08. Review status: criteria provided, single submitter. Criteria: ACMG Guidelines, 2015. Collection method: clinical testing. Allele origin: unknown. Affected: yes.
Comment: This variant was determined to be of uncertain significance according to ACMG Guidelines, 2015 [PMID:25741868].